The following is an entry in ClinVar:

NM_002474.3(MYH11):c.1491G>T (p.Glu497Asp)

Gene: MYH11 (myosin heavy chain 11; minus strand). Cytogenetic location: 16p13.11.
Variant type: single nucleotide variant.
Coding change: c.1491G>T on transcript NM_002474.3 (MANE Select); coding-DNA position 1491, G replaced by T.
Protein change: p.Glu497Asp; replaces glutamic acid 497 with aspartic acid.
Molecular consequence: missense variant.
Genome position (GRCh38, 1-based): chr16:15,757,911, C>A on the plus strand (G>T on the coding strand, the complement: MYH11 is on the minus strand). VCF-style: chr16-15757911-C-A. GRCh37 (hg19) VCF-style: chr16-15851768-C-A.
Other names: c.1512G>T, p.Glu504Asp (NM_001040113.2, NM_001040114.2); c.1491G>T, p.Glu497Asp (NM_022844.3); short protein forms E504D, E497D.
Identifiers: ClinVar variation 3400622 (VCV003400622.1).

ClinVar aggregate classification (germline): Uncertain significance (1 of 4 stars; one submission).

Conditions:
Familial thoracic aortic aneurysm and aortic dissection (TAAD). Also called: Thoracic aortic aneurysms and dissections. Identifiers: Orphanet 91387, MedGen C4707243, MONDO:0019625.

Submission:

Ambry Genetics
Classification: Uncertain significance for Familial thoracic aortic aneurysm and aortic dissection. Last evaluated: 2024-09-09. Review status: criteria provided, single submitter. Criteria: Ambry Variant Classification Scheme 2023. Collection method: clinical testing. Allele origin: germline.
Comment: The p.E497D variant (also known as c.1491G>T), located in coding exon 12 of the MYH11 gene, results from a G to T substitution at nucleotide position 1491. The glutamic acid at codon 497 is replaced by aspartic acid, an amino acid with highly similar properties. This amino acid position is conserved. In addition, the in silico prediction for this alteration is inconclusive. Based on the available evidence, the clinical significance of this variant remains unclear.